The following is an entry in ClinVar:

ClinVar aggregate classification (germline): Uncertain significance (1 of 4 stars; one submission).

Conditions:
Primary dilated cardiomyopathy (DCM). Also called: Dilated Cardiomyopathy. Identifiers: Orphanet 217604, MedGen C0007193, MeSH D002311, MONDO:0005021, HP:0001644. Inheritance: Various modes of inheritance.

gnomAD v4.1: 1 of 1,612,094 alleles (0.000062%); highest among the groups gnomAD compares: Non-Finnish European, 0.000085%; no homozygotes.

Submission:

All of Us Research Program, National Institutes of Health
Classification: Uncertain significance for Primary dilated cardiomyopathy. Last evaluated: 2023-06-26. Review status: criteria provided, single submitter. Criteria: ACMG Guidelines, 2015. Collection method: clinical testing. Allele origin: germline. Inheritance: Autosomal dominant inheritance. Observed: 1 variant allele, 1 heterozygote.
Comment: This missense variant replaces serine with tryptophan at codon 395 of the LMNA protein. Computational prediction is inconclusive regarding the impact of this variant on protein structure and function (internally defined REVEL score threshold 0.5 < inconclusive < 0.7, PMID: 27666373). To our knowledge, functional studies have not been reported for this variant. This variant has not been reported in individuals affected with LMNA-related disorders in the literature. This variant has not been identified in the general population by the Genome Aggregation Database (gnomAD). The available evidence is insufficient to determine the role of this variant in disease conclusively. Therefore, this variant is classified as a Variant of Uncertain Significance.

This study involves interpretation of variants in research participants for the purpose of population health screening. Participant phenotype was not available at the time of variant classification. Additional details can be found in publication PMID: 35346344, PMCID: PMC8962531

NM_170707.4(LMNA):c.1184C>G (p.Ser395Trp)

Gene: LMNA (lamin A/C; plus strand). Cytogenetic location: 1q22.
Variant type: single nucleotide variant.
Coding change: c.1184C>G on transcript NM_170707.4 (MANE Select); coding-DNA position 1184, C replaced by G.
Protein change: p.Ser395Trp; replaces serine 395 with tryptophan.
Molecular consequence: missense variant.
Genome position (GRCh38, 1-based): chr1:156,136,240, C>G. VCF-style: chr1-156136240-C-G. GRCh37 (hg19) VCF-style: chr1-156106031-C-G.
Other names: c.848C>G, p.Ser283Trp (NM_001257374.3, NM_001406989.1, NM_001406998.1); c.941C>G, p.Ser314Trp (NM_001282624.2, NM_001406986.1, NM_001406987.1); c.1184C>G, p.Ser395Trp (NM_001282625.2, NM_001282626.2, NM_001406983.1 and 6 more transcripts); c.887C>G, p.Ser296Trp (NM_001406988.1); c.626C>G, p.Ser209Trp (NM_001406990.1, NM_001406993.1, NM_001406995.1 and 4 more transcripts); c.560C>G, p.Ser187Trp (NM_001406994.1, NM_001406999.1, NM_001407000.1 and 1 more transcripts); short protein forms S187W, S209W, S283W, S296W, S314W, S395W.
Identifiers: ClinVar variation 3071835 (VCV003071835.1), dbSNP rs267607561, ClinGen allele CA342820931.
Genomic context (GRCh38, chr1:156,136,240, plus strand): 5'-TGACTAGACCCCCACTTGGTCTCCCTCTCCCCAGGCTACGCCTGTCCCCCAGCCCTACCT[C>G]GCAGCGCAGCCGTGGCCGTGCTTCCTCTCACTCATCCCAGACACAGGGTGGGGGCAGCGT-3'
Protein context (NP_733821.1, residues 385-405): ERLRLSPSPT[Ser395Trp]QRSRGRASSH